The following is an entry in ClinVar:

NM_012062.5(DNM1L):c.218A>G (p.Glu73Gly)

Gene: DNM1L (dynamin 1L; plus strand). Cytogenetic location: 12p11.21.
Variant type: single nucleotide variant.
Coding change: c.218A>G on transcript NM_012062.5 (MANE Select); coding-DNA position 218, A replaced by G.
Protein change: p.Glu73Gly; replaces glutamic acid 73 with glycine.
Molecular consequence: missense variant.
Genome position (GRCh38, 1-based): chr12:32,701,530, A>G. VCF-style: chr12-32701530-A-G. GRCh37 (hg19) VCF-style: chr12-32854464-A-G.
Other names: c.218A>G, p.Glu73Gly (NM_001278463.2, NM_001278464.2, NM_001278465.2 and 3 more transcripts); c.13A>G, p.Lys5Glu (NM_001278466.2); c.218A>G (NM_012062.3); short protein forms E73G, K5E.
Identifiers: ClinVar variation 3765722 (VCV003765722.3).
Genomic context (GRCh38, chr12:32,701,530, plus strand): 5'-GAGGTACTGGAATTGTCACCCGGAGACCTCTCATTCTGCAACTGGTCCATGTTTCACAAG[A>G]AGATAAACGGAAAACAACAGGAGAAGAAAATGGTAAATTTCAGATTTGAGATAATTATTT-3'
Protein context (NP_036192.2, residues 63-83): LILQLVHVSQ[Glu73Gly]DKRKTTGEEN

ClinVar aggregate classification (germline): Uncertain significance. Review status: criteria provided, multiple submitters, no conflicts (2 of 4 stars). 2 submissions from 2 submitters: Uncertain significance (2). Last evaluated 2026-03-23.

Submissions (2):

GeneDx
Classification: Uncertain significance. Last evaluated: 2026-03-23. Review status: criteria provided, single submitter. Criteria: GeneDx Variant Classification Process June 2021. Collection method: clinical testing. Allele origin: germline.
Comment: Not observed at significant frequency in large population cohorts (gnomAD); In silico analysis supports that this missense variant has a deleterious effect on protein structure/function; Has not been previously published as pathogenic or benign to our knowledge

Greenwood Genetic Center Diagnostic Laboratories, Greenwood Genetic Center
Classification: Uncertain significance. Last evaluated: 2024-10-23. Review status: criteria provided, single submitter. Criteria: ACMG Guidelines, 2015. Collection method: clinical testing. Allele origin: germline. Affected: yes.
Comment: PM2, PP2